The following is an entry in ClinVar:

ClinVar aggregate classification (germline): Uncertain significance (1 of 4 stars; one submission).

Conditions:
RASopathy. Also called: rasopathies; Noonan spectrum disorder. Identifiers: Orphanet 536391, MedGen C5555857, MONDO:0021060.

Allele frequency attached by ClinVar (database versions not stated): ExAC 0.00001; gnomAD 0.00001; TOPMed 0.00002.
gnomAD v4.1: 1 of 1,603,092 alleles (0.000062%); highest among the groups gnomAD compares: African/African-American, 0.0013%; no homozygotes.

Submission:

Labcorp Genetics (formerly Invitae), Labcorp
Classification: Uncertain significance for RASopathy. Last evaluated: 2024-04-06. Review status: criteria provided, single submitter. Criteria: Invitae Variant Classification Sherloc (09022015). Collection method: clinical testing. Allele origin: germline.
Comment: This sequence change replaces glutamic acid, which is acidic and polar, with lysine, which is basic and polar, at codon 1015 of the SOS1 protein (p.Glu1015Lys). This variant is present in population databases (rs772348571, gnomAD 0.007%). This variant has not been reported in the literature in individuals affected with SOS1-related conditions. ClinVar contains an entry for this variant (Variation ID: 1989510). Advanced modeling of protein sequence and biophysical properties (such as structural, functional, and spatial information, amino acid conservation, physicochemical variation, residue mobility, and thermodynamic stability) performed at Invitae indicates that this missense variant is not expected to disrupt SOS1 protein function with a negative predictive value of 80%. In summary, the available evidence is currently insufficient to determine the role of this variant in disease. Therefore, it has been classified as a Variant of Uncertain Significance.

NM_005633.4(SOS1):c.3043G>A (p.Glu1015Lys)

Gene: SOS1 (SOS Ras/Rac guanine nucleotide exchange factor 1; minus strand). Cytogenetic location: 2p22.1.
Variant type: single nucleotide variant.
Coding change: c.3043G>A on transcript NM_005633.4 (MANE Select); coding-DNA position 3043, G replaced by A.
Protein change: p.Glu1015Lys; replaces glutamic acid 1015 with lysine.
Molecular consequence: missense variant.
Genome position (GRCh38, 1-based): chr2:38,996,960, C>T on the plus strand (G>A on the coding strand, the complement: SOS1 is on the minus strand). VCF-style: chr2-38996960-C-T. GRCh37 (hg19) VCF-style: chr2-39224101-C-T.
Other names: c.3022G>A, p.Glu1008Lys (NM_001382394.1); c.3043G>A, p.Glu1015Lys (NM_001382395.1); short protein forms E1015K, E1008K.
Identifiers: ClinVar variation 1989510 (VCV001989510.4), dbSNP rs772348571, ClinGen allele CA1624278.